The following is an entry in ClinVar:

ClinVar aggregate classification (germline): Uncertain significance. Review status: criteria provided, multiple submitters, no conflicts (2 of 4 stars). 2 submissions from 2 submitters: Uncertain significance (2). Last evaluated 2025-12-20.

Allele frequency attached by ClinVar (database versions not stated): gnomAD exomes 0.00006; gnomAD 0.00012; TOPMed 0.00018.
gnomAD v4.1: 104 of 1,551,424 alleles (0.0067%); highest among the groups gnomAD compares: Admixed American, 0.027%; no homozygotes.

Submissions (2):

Labcorp Genetics (formerly Invitae), Labcorp
Classification: Uncertain significance. Last evaluated: 2025-12-20. Review status: criteria provided, single submitter. Criteria: Invitae Variant Classification Sherloc (09022015). Collection method: clinical testing. Allele origin: germline.
Comment: This sequence change replaces arginine, which is basic and polar, with cysteine, which is neutral and slightly polar, at codon 2701 of the WDR87 protein (p.Arg2701Cys). This variant is present in population databases (no rsID available, gnomAD 0.01%). This variant has not been reported in the literature in individuals affected with WDR87-related conditions. ClinVar contains an entry for this variant (Variation ID: 2403223). Experimental studies and prediction algorithms are not available or were not evaluated, and the functional significance of this variant is currently unknown. In summary, the available evidence is currently insufficient to determine the role of this variant in disease. Therefore, it has been classified as a Variant of Uncertain Significance.

Ambry Genetics
Classification: Uncertain significance. Last evaluated: 2024-02-13. Review status: criteria provided, single submitter. Criteria: Ambry Variant Classification Scheme 2023. Collection method: clinical testing. Allele origin: germline.

NM_001291088.2(WDR87):c.8218C>T (p.Arg2740Cys)

Gene: WDR87 (WD repeat domain 87; minus strand). Cytogenetic location: 19q13.13.
Variant type: single nucleotide variant.
Coding change: c.8218C>T on transcript NM_001291088.2 (MANE Select); coding-DNA position 8218, C replaced by T.
Protein change: p.Arg2740Cys; replaces arginine 2740 with cysteine.
Molecular consequence: missense variant.
Genome position (GRCh38, 1-based): chr19:37,885,453, G>A on the plus strand (C>T on the coding strand, the complement: WDR87 is on the minus strand). VCF-style: chr19-37885453-G-A. GRCh37 (hg19) VCF-style: chr19-38376093-G-A.
Other names: c.8101C>T, p.Arg2701Cys (NM_031951.5); short protein forms R2701C, R2740C.
Identifiers: ClinVar variation 2403223 (VCV002403223.3), dbSNP rs1049387071, ClinGen allele CA308018447.